The following is an entry in ClinVar:

NM_024857.5(ATAD5):c.4581C>T (p.Asn1527=)

Gene: ATAD5 (ATPase family AAA domain containing 5; plus strand). Cytogenetic location: 17q11.2.
Variant type: single nucleotide variant.
Coding change: c.4581C>T on transcript NM_024857.5 (MANE Select); coding-DNA position 4581, C replaced by T.
Protein change: p.Asn1527=; no amino-acid change (asparagine 1527 retained).
Molecular consequence: synonymous variant.
Genome position (GRCh38, 1-based): chr17:30,893,434, C>T. VCF-style: chr17-30893434-C-T. GRCh37 (hg19) VCF-style: chr17-29220452-C-T.
Identifiers: ClinVar variation 787449 (VCV000787449.5), dbSNP rs115791409, ClinGen allele CA8484313.

ClinVar aggregate classification (germline): Benign. Review status: criteria provided, single submitter (1 of 4 stars). 2 submissions from 2 submitters: Benign (1). 1 of the submissions does not count toward it. Last evaluated 2018-04-26.

Conditions:
ATAD5-related disorder. Also called: ATAD5-related condition.

Allele frequency attached by ClinVar (database versions not stated): gnomAD exomes 0.00194; ExAC 0.00217; ESP Exome Variant Server 0.00615; 1000 Genomes Project 30x 0.00687; gnomAD 0.00692 and 0.00737; 1000 Genomes Project 0.00699; TOPMed 0.00747.
gnomAD v4.1: 2,678 of 1,613,764 alleles (0.17%); highest among the groups gnomAD compares: African/African-American, 2.4%; 26 homozygotes.

Submissions (2):

Labcorp Genetics (formerly Invitae), Labcorp
Classification: Benign. Last evaluated: 2018-04-26. Review status: criteria provided, single submitter. Criteria: Invitae Variant Classification Sherloc (09022015). Collection method: clinical testing. Allele origin: germline.

PreventionGenetics, part of Exact Sciences
Classification: Benign for ATAD5-related condition. Last evaluated: 2019-03-15. Review status: no assertion criteria provided. Collection method: clinical testing. Allele origin: germline. Not counted in ClinVar's aggregate classification.
Comment: This variant is classified as benign based on ACMG/AMP sequence variant interpretation guidelines (Richards et al. 2015 PMID: 25741868, with internal and published modifications).